The following is an entry in ClinVar:

NM_004629.2(FANCG):c.778-1G>A

Gene: FANCG (FA complementation group G; minus strand). Cytogenetic location: 9p13.3.
Variant type: single nucleotide variant.
Coding change: c.778-1G>A on transcript NM_004629.2 (MANE Select); the canonical splice acceptor site of the intron before coding-DNA position 778, G replaced by A.
Molecular consequence: splice acceptor variant.
Genome position (GRCh38, 1-based): chr9:35,076,871, C>T on the plus strand (G>A on the coding strand, the complement: FANCG is on the minus strand). VCF-style: chr9-35076871-C-T. GRCh37 (hg19) VCF-style: chr9-35076868-C-T.
Identifiers: ClinVar variation 526327 (VCV000526327.8), dbSNP rs767518932, ClinGen allele CA373313323.

ClinVar aggregate classification (germline): Likely pathogenic. Review status: criteria provided, multiple submitters, no conflicts (2 of 4 stars). 2 submissions from 2 submitters: Likely pathogenic (2). Last evaluated 2023-12-26.

Conditions:
Fanconi anemia (FA). Also called: Fanconi's anemia. Identifiers: Orphanet 84, MedGen C0015625, MeSH D005199, MONDO:0019391.
Fanconi anemia complementation group G. Also called: FANCG-Related Fanconi Anemia; Fanconi anemia group G. Identifiers: Orphanet 84, MedGen C3469527, MONDO:0013565, OMIM 614082.

gnomAD v4.1: 1 of 1,614,176 alleles (0.000062%); highest among the groups gnomAD compares: Non-Finnish European, 0.000085%; no homozygotes.

Submissions (2):

Baylor Genetics
Classification: Likely pathogenic for Fanconi anemia complementation group G. Last evaluated: 2023-12-26. Review status: criteria provided, single submitter. Criteria: ACMG Guidelines, 2015. Collection method: clinical testing. Allele origin: unknown.

Labcorp Genetics (formerly Invitae), Labcorp
Classification: Likely pathogenic for Fanconi anemia. Last evaluated: 2022-03-26. Review status: criteria provided, single submitter. Criteria: Invitae Variant Classification Sherloc (09022015). Collection method: clinical testing. Allele origin: germline.
Comment: ClinVar contains an entry for this variant (Variation ID: 526327). This variant has not been reported in the literature in individuals affected with FANCG-related conditions. This variant is not present in population databases (gnomAD no frequency). This sequence change affects an acceptor splice site in intron 6 of the FANCG gene. It is expected to disrupt RNA splicing. Variants that disrupt the donor or acceptor splice site typically lead to a loss of protein function (PMID: 16199547), and loss-of-function variants in FANCG are known to be pathogenic (PMID: 12552564). In summary, the currently available evidence indicates that the variant is pathogenic, but additional data are needed to prove that conclusively. Therefore, this variant has been classified as Likely Pathogenic. Algorithms developed to predict the effect of sequence changes on RNA splicing suggest that this variant may disrupt the consensus splice site.

Literature cited by the submitters: PubMed 16199547 (cited by Labcorp Genetics (formerly Invitae), Labcorp); PubMed 12552564 (cited by Labcorp Genetics (formerly Invitae), Labcorp).